The following is an entry in ClinVar:

ClinVar aggregate classification (germline): Conflicting classifications of pathogenicity. Review status: criteria provided, conflicting classifications (1 of 4 stars). 3 submissions from 3 submitters: Uncertain significance (2); Likely benign (1). Last evaluated 2026-09-14.

Conditions:
Inborn genetic diseases. Identifiers: MedGen C0950123, MeSH D030342.
DMXL2-related disorder. Also called: DMXL2-related condition.

Allele frequency attached by ClinVar (database versions not stated): gnomAD 0.00038 and 0.00036; ESP Exome Variant Server 0.00039; 1000 Genomes Project 0.00020; ExAC 0.00035; 1000 Genomes Project 30x 0.00016; gnomAD exomes 0.00035; TOPMed 0.00037.
gnomAD v4.1: 895 of 1,608,300 alleles (0.056%); highest among the groups gnomAD compares: Non-Finnish European, 0.071%; no homozygotes.

Submissions (3):

PreventionGenetics, part of Exact Sciences
Classification: Uncertain significance for DMXL2-related condition. Last evaluated: 2026-09-14. Review status: criteria provided, single submitter. Criteria: ACMG Guidelines, 2015. Collection method: clinical testing. Allele origin: germline.
Comment: The DMXL2 c.6946T>C variant is predicted to result in the amino acid substitution p.Ser2316Pro. To our knowledge, this variant has not been reported in the literature. This variant is reported in 0.059% of alleles in individuals of European (Non-Finnish) descent in gnomAD. Although we suspect that this variant may be benign, at this time, the clinical significance of this variant is uncertain due to the absence of conclusive functional and genetic evidence.

Ambry Genetics
Classification: Likely benign for Inborn genetic diseases. Last evaluated: 2026-09-01. Review status: criteria provided, single submitter. Criteria: Ambry Variant Classification Scheme 2023. Collection method: clinical testing. Allele origin: germline.

Labcorp Genetics (formerly Invitae), Labcorp
Classification: Uncertain significance. Last evaluated: 2022-11-03. Review status: criteria provided, single submitter. Criteria: Invitae Variant Classification Sherloc (09022015). Collection method: clinical testing. Allele origin: germline.
Comment: This sequence change replaces serine, which is neutral and polar, with proline, which is neutral and non-polar, at codon 2316 of the DMXL2 protein (p.Ser2316Pro). This variant is present in population databases (rs143148315, gnomAD 0.06%). This variant has not been reported in the literature in individuals affected with DMXL2-related conditions. ClinVar contains an entry for this variant (Variation ID: 1438191). Algorithms developed to predict the effect of missense changes on protein structure and function (SIFT, PolyPhen-2, Align-GVGD) all suggest that this variant is likely to be tolerated. In summary, the available evidence is currently insufficient to determine the role of this variant in disease. Therefore, it has been classified as a Variant of Uncertain Significance.

NM_001378457.1(DMXL2):c.6946T>C (p.Ser2316Pro)

Gene: DMXL2 (Dmx like 2; minus strand). Cytogenetic location: 15q21.2.
Variant type: single nucleotide variant.
Coding change: c.6946T>C on transcript NM_001378457.1 (MANE Select); coding-DNA position 6946, T replaced by C.
Protein change: p.Ser2316Pro; replaces serine 2316 with proline.
Molecular consequence: missense variant. On other transcripts: non-coding transcript variant (2).
Genome position (GRCh38, 1-based): chr15:51,476,607, A>G on the plus strand (T>C on the coding strand, the complement: DMXL2 is on the minus strand). VCF-style: chr15-51476607-A-G. GRCh37 (hg19) VCF-style: chr15-51768804-A-G.
Other names: c.6946T>C, p.Ser2316Pro (NM_001174116.3, NM_001378459.1, NM_001378461.1 and 1 more transcripts); c.5035T>C, p.Ser1679Pro (NM_001174117.3); c.6943T>C, p.Ser2315Pro (NM_001378458.1, NM_001378462.1, NM_015263.5); c.4924T>C, p.Ser1642Pro (NM_001378460.1); c.6703T>C, p.Ser2235Pro (NM_001378464.1); c.6946T>C (NM_001174116.1); short protein forms S1642P, S1679P, S2235P, S2315P, S2316P.
Identifiers: ClinVar variation 1438191 (VCV001438191.9), dbSNP rs143148315, ClinGen allele CA7561509.